The following is an entry in ClinVar:

NM_001363711.2(DUOX2):c.2609A>G (p.Asp870Gly)

Gene: DUOX2 (dual oxidase 2; minus strand). Cytogenetic location: 15q21.1.
Variant type: single nucleotide variant.
Coding change: c.2609A>G on transcript NM_001363711.2 (MANE Select); coding-DNA position 2609, A replaced by G.
Protein change: p.Asp870Gly; replaces aspartic acid 870 with glycine.
Molecular consequence: missense variant.
Genome position (GRCh38, 1-based): chr15:45,104,005, T>C on the plus strand (A>G on the coding strand, the complement: DUOX2 is on the minus strand). VCF-style: chr15-45104005-T-C. GRCh37 (hg19) VCF-style: chr15-45396203-T-C.
Other names: c.2609A>G, p.Asp870Gly (NM_014080.5); short protein forms D870G.
Identifiers: ClinVar variation 885091 (VCV000885091.8), dbSNP rs143258582, ClinGen allele CA7538204.

ClinVar aggregate classification (germline): Uncertain significance. Review status: criteria provided, multiple submitters, no conflicts (2 of 4 stars). 3 submissions from 3 submitters: Uncertain significance (3). Last evaluated 2026-01-06.

Conditions:
Inborn genetic diseases. Identifiers: MedGen C0950123, MeSH D030342.
Thyroid dyshormonogenesis 6 (TDH6). Also called: Genetic transient congenital hypothyroidism; HYPOTHYROIDISM, CONGENITAL, DUE TO DYSHORMONOGENESIS, 6; THYROID HORMONOGENESIS, GENETIC DEFECT IN, 6. Identifiers: Orphanet 226316, Orphanet 95716, MedGen C1846632, MONDO:0011792, OMIM 607200.

Allele frequency attached by ClinVar (database versions not stated): gnomAD exomes 0.00003 and 0.00005; gnomAD 0.00005 and 0.00006; ExAC 0.00008; TOPMed 0.00009; ESP Exome Variant Server 0.00031.
gnomAD v4.1: 55 of 1,614,024 alleles (0.0034%); highest among the groups gnomAD compares: African/African-American, 0.023%; no homozygotes.

Submissions (3):

Labcorp Genetics (formerly Invitae), Labcorp
Classification: Uncertain significance. Last evaluated: 2026-01-06. Review status: criteria provided, single submitter. Criteria: Invitae Variant Classification Sherloc (09022015). Collection method: clinical testing. Allele origin: germline.
Comment: This sequence change replaces aspartic acid, which is acidic and polar, with glycine, which is neutral and non-polar, at codon 870 of the DUOX2 protein (p.Asp870Gly). This variant is present in population databases (rs143258582, gnomAD 0.03%). This missense change has been observed in individual(s) with clinical features of thyroid dyshormonogenesis (PMID: 39126042). ClinVar contains an entry for this variant (Variation ID: 885091). Invitae Evidence Modeling of protein sequence and biophysical properties (such as structural, functional, and spatial information, amino acid conservation, physicochemical variation, residue mobility, and thermodynamic stability) indicates that this missense variant is not expected to disrupt DUOX2 protein function with a negative predictive value of 80%. In summary, the available evidence is currently insufficient to determine the role of this variant in disease. Therefore, it has been classified as a Variant of Uncertain Significance.

Ambry Genetics
Classification: Uncertain significance for Inborn genetic diseases. Last evaluated: 2021-10-20. Review status: criteria provided, single submitter. Criteria: Ambry Variant Classification Scheme 2023. Collection method: clinical testing. Allele origin: germline.

Illumina Laboratory Services, Illumina
Classification: Uncertain significance for Thyroid dyshormonogenesis 6. Last evaluated: 2018-01-13. Review status: criteria provided, single submitter. Criteria: ICSL Variant Classification Criteria 13 December 2019. Collection method: clinical testing. Allele origin: germline.

Literature cited by the submitters: PubMed 39126042 (cited by Labcorp Genetics (formerly Invitae), Labcorp).